The following is an entry in ClinVar:

ClinVar aggregate classification (germline): Pathogenic (1 of 4 stars; one submission).

Conditions:
Hereditary cancer-predisposing syndrome. Also called: Tumor predisposition; Hereditary neoplastic syndrome; Hereditary Cancer Syndrome; Neoplastic Syndromes, Hereditary. Identifiers: Orphanet 140162, MedGen C0027672, MeSH D009386, MONDO:0015356.

Submission:

Ambry Genetics
Classification: Pathogenic for Hereditary cancer-predisposing syndrome. Last evaluated: 2024-01-09. Review status: criteria provided, single submitter. Criteria: Ambry Variant Classification Scheme 2023. Collection method: clinical testing. Allele origin: germline.
Comment: The c.313delG pathogenic mutation, located in coding exon 1 of the AXIN2 gene, results from a deletion of one nucleotide at nucleotide position 313, causing a translational frameshift with a predicted alternate stop codon (p.V105Wfs*4). This alteration is expected to result in loss of function by premature protein truncation or nonsense-mediated mRNA decay. As such, this alteration is interpreted as a disease-causing mutation.

NM_004655.4(AXIN2):c.313del (p.Val105fs)

Gene: AXIN2 (axin 2; minus strand). Cytogenetic location: 17q24.1.
Variant type: Deletion.
Coding change: c.313del on transcript NM_004655.4 (MANE Select); coding-DNA position 313, one base deleted (G; older notation c.313delG).
Protein change: p.Val105fs; shifts the reading frame from valine 105.
Molecular consequence: frameshift variant.
Genome position (GRCh38, 1-based): chr17:65,558,308, C deleted on the plus strand (G on the coding strand, the reverse complement: AXIN2 is on the minus strand). VCF-style (leftmost placement, unchanged base first): chr17-65558307-AC-A. GRCh37 (hg19) VCF-style: chr17-63554425-AC-A.
Other names: c.313del, p.Val105fs (NM_001363813.1); short protein forms V105fs.
Identifiers: ClinVar variation 3224404 (VCV003224404.1), dbSNP rs2544252448, ClinGen allele CA2825002597.